The following is an entry in ClinVar:

ClinVar aggregate classification (germline): Pathogenic/Likely pathogenic. Review status: criteria provided, multiple submitters, no conflicts (2 of 4 stars). 6 submissions from 6 submitters: Pathogenic (4); Likely pathogenic (1). 1 of the submissions does not count toward it. Last evaluated 2023-07-13.

Conditions:
CACNA1A-related disorder. Also called: CACNA1A-related condition.
Migraine, familial hemiplegic, 1. Also called: MIGRAINE, FAMILIAL HEMIPLEGIC 1, WITH PROGRESSIVE CEREBELLAR ATAXIA. Identifiers: Orphanet 569, MedGen C1832884, MONDO:0020756, OMIM 141500, MONDO:0007714.
Spinocerebellar ataxia type 6 (SCA6). Identifiers: Orphanet 98758, MedGen C0752124, MONDO:0008457, OMIM 183086.
Developmental and epileptic encephalopathy, 42 (DEE42A). Also called: Epileptic encephalopathy, early infantile, 42; DEVELOPMENTAL AND EPILEPTIC ENCEPHALOPATHY 42A; EPILEPTIC ENCEPHALOPATHY, EARLY INFANTILE, 42A. Identifiers: MedGen C4310716, MONDO:0014917, OMIM 617106.
Episodic ataxia type 2 (EA2). Also called: ATAXIA, EPISODIC, WITH NYSTAGMUS; ATAXIA, FAMILIAL PAROXYSMAL; CEREBELLAR ATAXIA, PAROXYSMAL, ACETAZOLAMIDE-RESPONSIVE; CEREBELLOPATHY, HEREDITARY PAROXYSMAL; EPISODIC ATAXIA, NYSTAGMUS-ASSOCIATED; ACETAZOLAMIDE-RESPONSIVE HEREDITARY PAROXYSMAL CEREBELLAR ATAXIA. Identifiers: Orphanet 97, MedGen C1720416, MONDO:0007163, OMIM 108500.

Submissions (6):

GeneDx
Classification: Pathogenic. Last evaluated: 2023-07-13. Review status: criteria provided, single submitter. Criteria: GeneDx Variant Classification Process June 2021. Collection method: clinical testing. Allele origin: germline. Affected: yes.
Comment: Canonical splice site variant predicted to result in a null allele in a gene for which loss of function is a known mechanism of disease; Not observed at significant frequency in large population cohorts (gnomAD); This variant is associated with the following publications: (PMID: 22942164, 26912519, 8898206)

Baylor Genetics
Classification: Pathogenic for Episodic ataxia type 2. Last evaluated: 2023-05-01. Review status: criteria provided, single submitter. Criteria: ACMG Guidelines, 2015. Collection method: clinical testing. Allele origin: unknown.

Blueprint Genetics
Classification: Pathogenic for CACNA1A-related disorders. Last evaluated: 2022-09-19. Review status: criteria provided, single submitter. Criteria: ACMG Guidelines, 2015. Collection method: clinical testing. Allele origin: germline. Affected: yes. Observed: 4 variant alleles.

Revvity Omics, Revvity
Classification: Pathogenic. Last evaluated: 2021-08-16. Review status: criteria provided, single submitter. Criteria: ACMG Guidelines, 2015. Collection method: clinical testing. Allele origin: germline.

Juno Genomics, Hangzhou Juno Genomics, Inc
Classification: Likely pathogenic for Developmental and epileptic encephalopathy, 42; Episodic ataxia type 2; Migraine, familial hemiplegic, 1; Spinocerebellar ataxia type 6. Review status: criteria provided, single submitter. Criteria: ACMG Guidelines, 2015. Collection method: clinical testing. Allele origin: germline.
Comment: Null variant in a gene where loss of function (LOF) is a known mechanism of disease.;Absent from controls (or at extremely low frequency if recessive) in Genome Aggregation Database.

OMIM
Classification: Pathogenic for EPISODIC ATAXIA, TYPE 2. Last evaluated: 1996-11-01. Review status: no assertion criteria provided. Collection method: literature only. Allele origin: germline. Not counted in ClinVar's aggregate classification.

Literature cited by the submitters: PubMed 8898206 (cited by OMIM).

NM_001127222.2(CACNA1A):c.3989+1G>A

Genes: CACNA1A (calcium voltage-gated channel subunit alpha1 A; minus strand), LOC126862865 (CDK7 strongly-dependent group 2 enhancer GRCh37_chr19:13385818-13387017; plus strand). Cytogenetic location: 19p13.13.
Variant type: single nucleotide variant.
Coding change: c.3989+1G>A on transcript NM_001127222.2 (MANE Select); the canonical splice donor site of the intron after coding-DNA position 3989, G replaced by A.
Molecular consequence: splice donor variant.
Genome position (GRCh38, 1-based): chr19:13,275,849, C>T on the plus strand (G>A on the coding strand, the complement: CACNA1A is on the minus strand). VCF-style: chr19-13275849-C-T. GRCh37 (hg19) VCF-style: chr19-13386663-C-T.
Other names: IVS24DS, G-A, +1; c.3992+1G>A (NM_001127221.2, NM_001174080.2); c.4001+1G>A (NM_000068.4, NM_023035.3).
Identifiers: ClinVar variation 8492 (VCV000008492.10), dbSNP rs587776693, ClinGen allele CA254429.